The following is an entry in ClinVar:

ClinVar aggregate classification (germline): Conflicting classifications of pathogenicity. Review status: criteria provided, conflicting classifications (1 of 4 stars). 3 submissions from 3 submitters: Uncertain significance (1); Benign (1); Likely benign (1). Last evaluated 2025-10-23.

Conditions:
Dilated cardiomyopathy 1AA (CMD1AA). Also called: CARDIOMYOPATHY, DILATED, 1AA, WITH OR WITHOUT LEFT VENTRICULAR NONCOMPACTION; CARDIOMYOPATHY, FAMILIAL HYPERTROPHIC, 23, WITH OR WITHOUT LEFT VENTRICULAR NONCOMPACTION; Cardiomyopathy, dilated, 1AA, with or without LVNC. Identifiers: Orphanet 154, MedGen C2677338, MONDO:0012808, OMIM 612158.
Primary familial hypertrophic cardiomyopathy (HCM). Identifiers: Orphanet 99739, MedGen C0949658, MeSH D024741, MONDO:0024573. Inheritance: Various modes of inheritance.
Cardiovascular phenotype. Identifiers: MedGen CN230736.
Cardiomyopathy (CMYO). Also called: Cardiomyopathies. Identifiers: Orphanet 167848, MedGen C0878544, MONDO:0004994, HP:0001638. Inheritance: Various modes of inheritance.

Allele frequency attached by ClinVar (database versions not stated): gnomAD 0.00001 and 0.00003; TOPMed 0.00002; ExAC 0.00007; ESP Exome Variant Server 0.00008.
gnomAD v4.1: 40 of 1,614,052 alleles (0.0025%); highest among the groups gnomAD compares: South Asian, 0.026%; no homozygotes.

Submissions (3):

Labcorp Genetics (formerly Invitae), Labcorp
Classification: Benign for Primary familial hypertrophic cardiomyopathy; Dilated cardiomyopathy 1AA. Last evaluated: 2025-10-23. Review status: criteria provided, single submitter. Criteria: Invitae Variant Classification Sherloc (09022015). Collection method: clinical testing. Allele origin: germline.

Ambry Genetics
Classification: Uncertain significance for Cardiovascular phenotype. Last evaluated: 2025-03-11. Review status: criteria provided, single submitter. Criteria: Ambry Variant Classification Scheme 2023. Collection method: clinical testing. Allele origin: germline.
Comment: The p.R631H variant (also known as c.1892G>A), located in coding exon 16 of the ACTN2 gene, results from a G to A substitution at nucleotide position 1892. The arginine at codon 631 is replaced by histidine, an amino acid with highly similar properties. This amino acid position is highly conserved in available vertebrate species. In addition, the in silico prediction for this alteration is inconclusive. Based on the available evidence, the clinical significance of this variant remains unclear.

CHEO Genetics Diagnostic Laboratory, Children's Hospital of Eastern Ontario
Classification: Likely benign for Cardiomyopathy. Last evaluated: 2018-02-13. Review status: criteria provided, single submitter. Criteria: ACMG Guidelines, 2015. Collection method: clinical testing. Allele origin: germline.

NM_001103.4(ACTN2):c.1892G>A (p.Arg631His)

Gene: ACTN2 (actinin alpha 2; plus strand). Cytogenetic location: 1q43.
Variant type: single nucleotide variant.
Coding change: c.1892G>A on transcript NM_001103.4 (MANE Select); coding-DNA position 1892, G replaced by A.
Protein change: p.Arg631His; replaces arginine 631 with histidine.
Molecular consequence: missense variant.
Genome position (GRCh38, 1-based): chr1:236,753,999, G>A. VCF-style: chr1-236753999-G-A. GRCh37 (hg19) VCF-style: chr1-236917299-G-A.
Other names: c.1892G>A, p.Arg631His (NM_001278343.2); c.1268G>A, p.Arg423His (NM_001278344.2); short protein forms R631H, R423H.
Identifiers: ClinVar variation 532038 (VCV000532038.12), dbSNP rs370908799, ClinGen allele CA1473281.